The following is an entry in ClinVar:

ClinVar aggregate classification (germline): Likely benign. Review status: criteria provided, multiple submitters, no conflicts (2 of 4 stars). 3 submissions from 3 submitters: Likely benign (3). Last evaluated 2026-07-01.

Conditions:
FG syndrome (FGS). Identifiers: MedGen C0220769, MONDO:0002010.

Allele frequency attached by ClinVar (database versions not stated): gnomAD exomes 0.00001.
gnomAD v4.1: 9 of 1,208,410 alleles (0.00074%); highest among the groups gnomAD compares: East Asian, 0.0059%; no homozygotes.

Submissions (3):

CeGaT Center for Human Genetics Tuebingen
Classification: Likely benign. Last evaluated: 2026-07-01. Review status: criteria provided, single submitter. Criteria: CeGaT Center For Human Genetics Tuebingen Variant Classification Criteria Version 2. Collection method: clinical testing. Allele origin: germline. Affected: yes. Observed: 2 variant alleles.
Comment: MED12: BP4, BP7

Labcorp Genetics (formerly Invitae), Labcorp
Classification: Likely benign for FG syndrome. Last evaluated: 2024-01-06. Review status: criteria provided, single submitter. Criteria: Invitae Variant Classification Sherloc (09022015). Collection method: clinical testing. Allele origin: germline.

Blueprint Genetics
Classification: Likely benign. Last evaluated: 2019-06-18. Review status: criteria provided, single submitter. Criteria: ACMG Guidelines, 2015. Collection method: clinical testing. Allele origin: germline.

NM_005120.3(MED12):c.2919T>C (p.Ala973=)

Gene: MED12 (mediator complex subunit 12; plus strand). Cytogenetic location: Xq13.1.
Variant type: single nucleotide variant.
Coding change: c.2919T>C on transcript NM_005120.3 (MANE Select); coding-DNA position 2919, T replaced by C.
Protein change: p.Ala973=; no amino-acid change (alanine 973 retained).
Molecular consequence: synonymous variant.
Genome position (GRCh38, 1-based): chrX:71,127,405, T>C. VCF-style: chrX-71127405-T-C. GRCh37 (hg19) VCF-style: chrX-70347255-T-C.
Identifiers: ClinVar variation 2415823 (VCV002415823.12), dbSNP rs1383089163, ClinGen allele CA516819212.